The following is an entry in ClinVar:

NM_000271.5(NPC1):c.427_431delinsCAAATGTGAAAACAAATGTGAA (p.Glu143_Leu144delinsGlnMetTer)

Gene: NPC1 (NPC intracellular cholesterol transporter 1; minus strand). Cytogenetic location: 18q11.2.
Variant type: Indel.
Coding change: c.427_431delinsCAAATGTGAAAACAAATGTGAA on transcript NM_000271.5 (MANE Select); coding-DNA positions 427 to 431, GAGTT replaced by CAAATGTGAAAACAAATGTGAA.
Protein change: p.Glu143_Leu144delinsGlnMetTer.
Molecular consequence: nonsense.
Genome position (GRCh38, 1-based): chr18:23,568,855-23,568,859, AACTC replaced by TTCACATTTGTTTTCACATTTG on the plus strand (GAGTT replaced by CAAATGTGAAAACAAATGTGAA on the coding strand, the reverse complement: NPC1 is on the minus strand). VCF-style: chr18-23568855-AACTC-TTCACATTTGTTTTCACATTTG. GRCh37 (hg19) VCF-style: chr18-21148819-AACTC-TTCACATTTGTTTTCACATTTG.
Identifiers: ClinVar variation 5004120 (VCV005004120.1).

ClinVar aggregate classification (germline): Pathogenic (1 of 4 stars; one submission).

Conditions:
Niemann-Pick disease, type C1. Also called: NEUROVISCERAL STORAGE DISEASE WITH VERTICAL SUPRANUCLEAR OPHTHALMOPLEGIA; NIEMANN-PICK DISEASE WITH CHOLESTEROL ESTERIFICATION BLOCK; NIEMANN-PICK DISEASE WITHOUT SPHINGOMYELINASE DEFICIENCY; NIEMANN-PICK DISEASE, CHRONIC NEURONOPATHIC FORM; NIEMANN-PICK DISEASE, VARIANT TYPE C1. Identifiers: Orphanet 646, MedGen C3179455, MONDO:0009757, OMIM 257220.

Submission:

Myriad Genetics, Inc.
Classification: Pathogenic for Niemann-Pick disease, type C1. Last evaluated: 2025-08-15. Review status: criteria provided, single submitter. Criteria: Myriad Autosomal Dominant, Autosomal Recessive and X-Linked Classification Criteria (2023). Collection method: clinical testing. Allele origin: unknown.
Comment: NM_000271.4(NPC1):c.427_431del5ins22(E143Qfs*3) is a frameshift variant classified as pathogenic in the context of Niemann-Pick disease type C1. E143Qfs*3 has not been observed in cases with relevant disease. Relevant functional assessments of this variant are not available in the literature. E143Qfs*3 has not been observed in referenced population frequency databases. In summary, NM_000271.4(NPC1):c.427_431del5ins22(E143Qfs*3) is a frameshift variant in a gene where loss of function is a known mechanism of disease and is predicted to disrupt protein function. Please note: this variant was assessed in the context of healthy population screening.